The following is an entry in ClinVar:

NM_001458.5(FLNC):c.2190C>T (p.Tyr730=)

Gene: FLNC (filamin C; plus strand). Cytogenetic location: 7q32.1.
Variant type: single nucleotide variant.
Coding change: c.2190C>T on transcript NM_001458.5 (MANE Select); coding-DNA position 2190, C replaced by T.
Protein change: p.Tyr730=; no amino-acid change (tyrosine 730 retained).
Molecular consequence: synonymous variant.
Genome position (GRCh38, 1-based): chr7:128,842,299, C>T. VCF-style: chr7-128842299-C-T. GRCh37 (hg19) VCF-style: chr7-128482353-C-T.
Other names: c.2190C>T, p.Tyr730= (NM_001127487.2).
Identifiers: ClinVar variation 1663178 (VCV001663178.29), dbSNP rs746733934, ClinGen allele CA4474633.

ClinVar aggregate classification (germline): Likely benign. Review status: criteria provided, multiple submitters, no conflicts (2 of 4 stars). 4 submissions from 4 submitters: Likely benign (4). Last evaluated 2024-07-17.

Conditions:
Myofibrillar myopathy 5. Also called: Filaminopathy (type); FILAMINOPATHY, AUTOSOMAL DOMINANT. Identifiers: Orphanet 171445, MedGen C1836050, MONDO:0012289, OMIM 609524.
Distal myopathy with posterior leg and anterior hand involvement. Also called: WILLIAMS DISTAL MYOPATHY. Identifiers: Orphanet 63273, MedGen C3279722, MONDO:0013550, OMIM 614065.
Hypertrophic cardiomyopathy 26. Also called: Cardiomyopathy, familial hypertrophic, 26. Identifiers: Orphanet 75249, MedGen C4310749, MONDO:0014883, OMIM 617047.
Cardiovascular phenotype. Identifiers: MedGen CN230736.

Allele frequency attached by ClinVar (database versions not stated): gnomAD exomes 0.00001 and below 0.00001; TOPMed 0.00001; gnomAD 0.00002 and 0.00003; ExAC 0.00001.
gnomAD v4.1: 12 of 1,613,854 alleles (0.00074%); highest among the groups gnomAD compares: Middle Eastern, 0.016%; no homozygotes.

Submissions (4):

Labcorp Genetics (formerly Invitae), Labcorp
Classification: Likely benign for Distal myopathy with posterior leg and anterior hand involvement; Myofibrillar myopathy 5; Hypertrophic cardiomyopathy 26. Last evaluated: 2024-07-17. Review status: criteria provided, single submitter. Criteria: Invitae Variant Classification Sherloc (09022015). Collection method: clinical testing. Allele origin: germline.

CeGaT Center for Human Genetics Tuebingen
Classification: Likely benign. Last evaluated: 2024-06-01. Review status: criteria provided, single submitter. Criteria: CeGaT Center For Human Genetics Tuebingen Variant Classification Criteria Version 2. Collection method: clinical testing. Allele origin: germline. Affected: yes. Observed: 1 variant allele.
Comment: FLNC: BP4, BP7

Ambry Genetics
Classification: Likely benign for Cardiovascular phenotype. Last evaluated: 2022-09-12. Review status: criteria provided, single submitter. Criteria: Ambry Variant Classification Scheme 2023. Collection method: clinical testing. Allele origin: germline.

Blueprint Genetics
Classification: Likely benign. Last evaluated: 2021-10-04. Review status: criteria provided, single submitter. Criteria: ACMG Guidelines, 2015. Collection method: clinical testing. Allele origin: germline.